The following is an entry in ClinVar:

ClinVar aggregate classification (germline): Uncertain significance (1 of 4 stars; one submission).

Allele frequency attached by ClinVar (database versions not stated): gnomAD exomes 0.00001; ExAC 0.00002.
gnomAD v4.1: 14 of 1,609,262 alleles (0.00087%); highest among the groups gnomAD compares: Admixed American, 0.005%; no homozygotes.

Submission:

Labcorp Genetics (formerly Invitae), Labcorp
Classification: Uncertain significance. Last evaluated: 2025-02-10. Review status: criteria provided, single submitter. Criteria: Invitae Variant Classification Sherloc (09022015). Collection method: clinical testing. Allele origin: germline.
Comment: This sequence change replaces arginine, which is basic and polar, with histidine, which is basic and polar, at codon 446 of the DLL4 protein (p.Arg446His). The frequency data for this variant in the population databases is considered unreliable, as metrics indicate poor data quality at this position in the gnomAD database. This variant has not been reported in the literature in individuals affected with DLL4-related conditions. ClinVar contains an entry for this variant (Variation ID: 1346587). Invitae Evidence Modeling of protein sequence and biophysical properties (such as structural, functional, and spatial information, amino acid conservation, physicochemical variation, residue mobility, and thermodynamic stability) indicates that this missense variant is not expected to disrupt DLL4 protein function with a negative predictive value of 80%. In summary, the available evidence is currently insufficient to determine the role of this variant in disease. Therefore, it has been classified as a Variant of Uncertain Significance.

NM_019074.4(DLL4):c.1337G>A (p.Arg446His)

Gene: DLL4 (delta like canonical Notch ligand 4; plus strand). Cytogenetic location: 15q15.1.
Variant type: single nucleotide variant.
Coding change: c.1337G>A on transcript NM_019074.4 (MANE Select); coding-DNA position 1337, G replaced by A.
Protein change: p.Arg446His; replaces arginine 446 with histidine.
Molecular consequence: missense variant.
Genome position (GRCh38, 1-based): chr15:40,936,324, G>A. VCF-style: chr15-40936324-G-A. GRCh37 (hg19) VCF-style: chr15-41228522-G-A.
Other names: short protein forms R446H.
Identifiers: ClinVar variation 1346587 (VCV001346587.8), dbSNP rs781379364, ClinGen allele CA7487919.